The following is an entry in ClinVar:

NM_001035.3(RYR2):c.3282T>C (p.Tyr1094=)

Gene: RYR2 (ryanodine receptor 2; plus strand). Cytogenetic location: 1q43.
Variant type: single nucleotide variant.
Coding change: c.3282T>C on transcript NM_001035.3 (MANE Select); coding-DNA position 3282, T replaced by C.
Protein change: p.Tyr1094=; no amino-acid change (tyrosine 1094 retained).
Molecular consequence: synonymous variant.
Genome position (GRCh38, 1-based): chr1:237,566,634, T>C. VCF-style: chr1-237566634-T-C. GRCh37 (hg19) VCF-style: chr1-237729934-T-C.
Identifiers: ClinVar variation 742623 (VCV000742623.15), dbSNP rs1572900604, ClinGen allele CA423819146.

ClinVar aggregate classification (germline): Likely benign. Review status: criteria provided, multiple submitters, no conflicts (2 of 4 stars). 4 submissions from 4 submitters: Likely benign (4). Last evaluated 2025-12-30.

Conditions:
Catecholaminergic polymorphic ventricular tachycardia (CVPT). Also called: Catecholamine-induced polymorphic ventricular tachycardia. Identifiers: Orphanet 3286, MedGen C5574922, MONDO:0017990.
Cardiomyopathy (CMYO). Also called: Cardiomyopathies. Identifiers: Orphanet 167848, MedGen C0878544, MONDO:0004994, HP:0001638. Inheritance: Various modes of inheritance.
Catecholaminergic polymorphic ventricular tachycardia 1. Also called: RYR2-Related Catecholaminergic Polymorphic Ventricular Tachycardia; VENTRICULAR TACHYCARDIA, STRESS-INDUCED POLYMORPHIC 1; VENTRICULAR TACHYCARDIA, CATECHOLAMINERGIC POLYMORPHIC, 1, WITH OR WITHOUT ATRIAL DYSFUNCTION AND/OR DILATED CARDIOMYOPATHY. Identifiers: Orphanet 3286, MedGen C1631597, MONDO:0011484, OMIM 604772.
Cardiovascular phenotype. Identifiers: MedGen CN230736.

Submissions (4):

Ambry Genetics
Classification: Likely benign for Cardiovascular phenotype. Last evaluated: 2025-12-30. Review status: criteria provided, single submitter. Criteria: Ambry Variant Classification Scheme 2023. Collection method: clinical testing. Allele origin: germline.

All of Us Research Program, National Institutes of Health
Classification: Likely benign for Catecholaminergic polymorphic ventricular tachycardia. Last evaluated: 2023-09-17. Review status: criteria provided, single submitter. Criteria: ACMG Guidelines, 2015. Collection method: clinical testing. Allele origin: germline. Inheritance: Autosomal dominant inheritance. Observed: 1 variant allele, 1 heterozygote.
Comment: This study involves interpretation of variants in research participants for the purpose of population health screening. Participant phenotype was not available at the time of variant classification. Additional details can be found in publication PMID: 35346344, PMCID: PMC8962531

Color Diagnostics, LLC DBA Color Health
Classification: Likely benign for Cardiomyopathy. Last evaluated: 2022-11-06. Review status: criteria provided, single submitter. Criteria: ACMG Guidelines, 2015. Collection method: clinical testing. Allele origin: germline.

Labcorp Genetics (formerly Invitae), Labcorp
Classification: Likely benign for Catecholaminergic polymorphic ventricular tachycardia 1. Last evaluated: 2021-11-12. Review status: criteria provided, single submitter. Criteria: Invitae Variant Classification Sherloc (09022015). Collection method: clinical testing. Allele origin: germline.